The following is an entry in ClinVar:

NM_004380.3(CREBBP):c.6073C>T (p.Pro2025Ser)

Gene: CREBBP (CREB binding protein; minus strand). Cytogenetic location: 16p13.3.
Variant type: single nucleotide variant.
Coding change: c.6073C>T on transcript NM_004380.3 (MANE Select); coding-DNA position 6073, C replaced by T.
Protein change: p.Pro2025Ser; replaces proline 2025 with serine.
Molecular consequence: missense variant.
Genome position (GRCh38, 1-based): chr16:3,728,974, G>A on the plus strand (C>T on the coding strand, the complement: CREBBP is on the minus strand). VCF-style: chr16-3728974-G-A. GRCh37 (hg19) VCF-style: chr16-3778975-G-A.
Other names: c.5959C>T, p.Pro1987Ser (NM_001079846.1); short protein forms P1987S, P2025S.
Identifiers: ClinVar variation 1326013 (VCV001326013.2), dbSNP rs2151306330, ClinGen allele CA394554345.
Genomic context (GRCh38, chr16:3,728,974, plus strand): 5'-GGGCCTGCATGGATATCACAGGCCTGGGCAAGCCTGGCATGGGCTGCTGCTGGGGAAGGG[G>A]CGCCTGCTGCCACTGCCCGGGAGGCATGCTGGGCATGACGGGCCCGCTCACCTGGTTGGG-3'
Protein context (NP_004371.2, residues 2015-2035): SMPPGQWQQA[Pro2025Ser]LPQQQPMPGL

ClinVar aggregate classification (germline): Uncertain significance (1 of 4 stars; one submission).

Submission:

GeneDx
Classification: Uncertain significance. Last evaluated: 2021-05-19. Review status: criteria provided, single submitter. Criteria: GeneDx Variant Classification Process June 2021. Collection method: clinical testing. Allele origin: germline. Affected: yes.
Comment: Not observed in large population cohorts (Lek et al., 2016); In silico analysis supports that this missense variant has a deleterious effect on protein structure/function; Has not been previously published as pathogenic or benign to our knowledge